The following is an entry in ClinVar:

NM_003872.3(NRP2):c.1416G>A (p.Ser472=)

Gene: NRP2 (neuropilin 2; plus strand). Cytogenetic location: 2q33.3.
Variant type: single nucleotide variant.
Coding change: c.1416G>A on transcript NM_003872.3 (MANE Select); coding-DNA position 1416, G replaced by A.
Protein change: p.Ser472=; no amino-acid change (serine 472 retained).
Molecular consequence: synonymous variant.
Genome position (GRCh38, 1-based): chr2:205,743,327, G>A. VCF-style: chr2-205743327-G-A. GRCh37 (hg19) VCF-style: chr2-206608051-G-A.
Other names: c.1416G>A, p.Ser472= (NM_018534.4, NM_201264.2, NM_201266.2 and 2 more transcripts).
Identifiers: ClinVar variation 737189 (VCV000737189.5), dbSNP rs529980618, ClinGen allele CA2069097.

ClinVar aggregate classification (germline): Likely benign. Review status: criteria provided, single submitter (1 of 4 stars). 2 submissions from 2 submitters: Likely benign (1). 1 of the submissions does not count toward it. Last evaluated 2018-03-29.

Conditions:
NRP2-related disorder. Also called: NRP2-related condition.

Allele frequency attached by ClinVar (database versions not stated): gnomAD 0.00001 and 0.00003; TOPMed 0.00005; 1000 Genomes Project 0.00020; 1000 Genomes Project 30x 0.00031.

Submissions (2):

Labcorp Genetics (formerly Invitae), Labcorp
Classification: Likely benign. Last evaluated: 2018-03-29. Review status: criteria provided, single submitter. Criteria: Invitae Variant Classification Sherloc (09022015). Collection method: clinical testing. Allele origin: germline.

PreventionGenetics, part of Exact Sciences
Classification: Likely benign for NRP2-related condition. Last evaluated: 2021-07-16. Review status: no assertion criteria provided. Collection method: clinical testing. Allele origin: germline. Not counted in ClinVar's aggregate classification.
Comment: This variant is classified as likely benign based on ACMG/AMP sequence variant interpretation guidelines (Richards et al. 2015 PMID: 25741868, with internal and published modifications).